The following is an entry in ClinVar:

NM_000264.5(PTCH1):c.3283G>T (p.Glu1095Ter)

Gene: PTCH1 (patched 1; minus strand). Cytogenetic location: 9q22.32.
Variant type: single nucleotide variant.
Coding change: c.3283G>T on transcript NM_000264.5 (MANE Select); coding-DNA position 3283, G replaced by T.
Protein change: p.Glu1095Ter; replaces glutamic acid 1095 with a stop codon.
Molecular consequence: nonsense. On other transcripts: non-coding transcript variant (1).
Genome position (GRCh38, 1-based): chr9:95,456,299, C>A on the plus strand (G>T on the coding strand, the complement: PTCH1 is on the minus strand). VCF-style: chr9-95456299-C-A. GRCh37 (hg19) VCF-style: chr9-98218581-C-A.
Other names: c.3085G>T, p.Glu1029Ter (NM_001083602.3); c.3280G>T, p.Glu1094Ter (NM_001083603.3); c.2830G>T, p.Glu944Ter (NM_001083604.3, NM_001083605.3, NM_001083606.3 and 1 more transcripts); c.3127G>T, p.Glu1043Ter (NM_001354918.2); short protein forms E944*, E1029*, E1094*, E1095*, E1043*.
Identifiers: ClinVar variation 1996086 (VCV001996086.4), dbSNP rs1588535427, ClinGen allele CA374111999.

ClinVar aggregate classification (germline): Pathogenic (1 of 4 stars; one submission).

Conditions:
Gorlin syndrome. Also called: Basal cell nevus syndrome; Nevoid Basal Cell Carcinoma Syndrome. Identifiers: Orphanet 377, MedGen C0004779, MONDO:0007187.

Submission:

Labcorp Genetics (formerly Invitae), Labcorp
Classification: Pathogenic for Gorlin syndrome. Last evaluated: 2022-05-18. Review status: criteria provided, single submitter. Criteria: Invitae Variant Classification Sherloc (09022015). Collection method: clinical testing. Allele origin: germline.
Comment: This sequence change creates a premature translational stop signal (p.Glu1095*) in the PTCH1 gene. It is expected to result in an absent or disrupted protein product. Loss-of-function variants in PTCH1 are known to be pathogenic (PMID: 16301862, 16419085). This variant is not present in population databases (gnomAD no frequency). This variant has not been reported in the literature in individuals affected with PTCH1-related conditions. For these reasons, this variant has been classified as Pathogenic.

Literature cited by the submitters: PubMed 16301862; PubMed 16419085.